The following is an entry in ClinVar:

NM_000492.4(CFTR):c.3064G>C (p.Val1022Leu)

Genes: CFTR (CF transmembrane conductance regulator; plus strand), CFTR-AS2 (CFTR antisense RNA 2; minus strand), LOC111674472 (DNase I hypersensitive sites in introns 16 and 17a of CFTR; plus strand). Cytogenetic location: 7q31.2.
Variant type: single nucleotide variant.
Coding change: c.3064G>C on transcript NM_000492.4 (MANE Select); coding-DNA position 3064, G replaced by C.
Protein change: p.Val1022Leu; replaces valine 1022 with leucine.
Molecular consequence: missense variant.
Genome position (GRCh38, 1-based): chr7:117,610,594, G>C. VCF-style: chr7-117610594-G-C. GRCh37 (hg19) VCF-style: chr7-117250648-G-C.
Other names: short protein forms V1022L.
Identifiers: ClinVar variation 917684 (VCV000917684.11), dbSNP rs144441835, ClinGen allele CA368990684.

ClinVar aggregate classification (germline): Uncertain significance. Review status: criteria provided, multiple submitters, no conflicts (2 of 4 stars). 4 submissions from 4 submitters: Uncertain significance (3). 1 of the submissions does not count toward it. Last evaluated 2023-06-20.

Conditions:
CFTR-related disorder (CFTR-RD). Also called: CFTR-related condition; CFTR-related disorders. Identifiers: MedGen C5924204, MONDO:7770004.
Cystic fibrosis (CF). Also called: MUCOVISCIDOSIS. Identifiers: Orphanet 586, MedGen C0010674, MONDO:0009061, OMIM 219700. Disease mechanism: loss of function.

Submissions (4):

Labcorp Genetics (formerly Invitae), Labcorp
Classification: Uncertain significance for Cystic fibrosis. Last evaluated: 2023-06-20. Review status: criteria provided, single submitter. Criteria: Invitae Variant Classification Sherloc (09022015). Collection method: clinical testing. Allele origin: germline.
Comment: This variant has not been reported in the literature in individuals affected with CFTR-related conditions. In summary, the available evidence is currently insufficient to determine the role of this variant in disease. Therefore, it has been classified as a Variant of Uncertain Significance. Advanced modeling of protein sequence and biophysical properties (such as structural, functional, and spatial information, amino acid conservation, physicochemical variation, residue mobility, and thermodynamic stability) performed at Invitae indicates that this missense variant is not expected to disrupt CFTR protein function. ClinVar contains an entry for this variant (Variation ID: 917684). This variant is not present in population databases (gnomAD no frequency). This sequence change replaces valine, which is neutral and non-polar, with leucine, which is neutral and non-polar, at codon 1022 of the CFTR protein (p.Val1022Leu).

Ambry Genetics
Classification: Uncertain significance for Cystic fibrosis. Last evaluated: 2021-09-23. Review status: criteria provided, single submitter. Criteria: Ambry Variant Classification Scheme 2023. Collection method: clinical testing. Allele origin: germline.
Comment: The p.V1022L variant (also known as c.3064G>C), located in coding exon 19 of the CFTR gene, results from a G to C substitution at nucleotide position 3064. The valine at codon 1022 is replaced by leucine, an amino acid with highly similar properties. This amino acid position is conserved. In addition, the in silico prediction for this alteration is inconclusive. Since supporting evidence is limited at this time, the clinical significance of this alteration remains unclear.

Women's Health and Genetics/Laboratory Corporation of America, LabCorp
Classification: Uncertain significance. Last evaluated: 2020-02-27. Review status: criteria provided, single submitter. Criteria: LabCorp Variant Classification Summary - May 2015. Collection method: clinical testing. Allele origin: germline.
Comment: Variant summary: CFTR c.3064G>C (p.Val1022Leu) results in a conservative amino acid change located in the ABC transporter type 1, transmembrane domain of the encoded protein sequence. Four of five in-silico tools predict a benign effect of the variant on protein function. The variant was absent in 251090 control chromosomes. The available data on variant occurrences in the general population are insufficient to allow any conclusion about variant significance. To our knowledge, no occurrence of c.3064G>C in individuals affected with Cystic Fibrosis and no experimental evidence demonstrating its impact on protein function have been reported. No clinical diagnostic laboratories have submitted clinical-significance assessments for this variant to ClinVar after 2014. Based on the evidence outlined above, the variant was classified as uncertain significance.

Natera, Inc.
Classification: Uncertain significance for CFTR-related disorders. Last evaluated: 2020-06-16. Review status: no assertion criteria provided. Collection method: clinical testing. Allele origin: germline. Not counted in ClinVar's aggregate classification.